The following is an entry in ClinVar:

ClinVar aggregate classification (germline): Conflicting classifications of pathogenicity. Review status: criteria provided, conflicting classifications (1 of 4 stars). 3 submissions from 3 submitters: Uncertain significance (1); Likely benign (2). Last evaluated 2026-05-28.

Conditions:
Hereditary cancer-predisposing syndrome. Also called: Tumor predisposition; Hereditary neoplastic syndrome; Neoplastic Syndromes, Hereditary; Hereditary Cancer Syndrome. Identifiers: Orphanet 140162, MedGen C0027672, MeSH D009386, MONDO:0015356.

Submissions (3):

Ambry Genetics
Classification: Likely benign for Hereditary cancer-predisposing syndrome. Last evaluated: 2026-05-28. Review status: criteria provided, single submitter. Criteria: Ambry Variant Classification Scheme 2023. Collection method: clinical testing. Allele origin: germline.

Labcorp Genetics (formerly Invitae), Labcorp
Classification: Likely benign. Last evaluated: 2024-07-08. Review status: criteria provided, single submitter. Criteria: Invitae Variant Classification Sherloc (09022015). Collection method: clinical testing. Allele origin: germline.

Quest Diagnostics Nichols Institute San Juan Capistrano
Classification: Uncertain significance. Last evaluated: 2022-10-27. Review status: criteria provided, single submitter. Criteria: Quest Diagnostics criteria. Collection method: clinical testing. Allele origin: unknown.
Comment: This variant has not been reported in the published literature. It also has not been reported in large, multi-ethnic general populations. Analysis of this variant using software algorithms for the prediction of the effect of nucleotide changes on splicing yielded predictions that this variant does not affect NTHL1 mRNA splicing . Based on the available information, we are unable to determine the clinical significance of this variant.

NM_002528.7(NTHL1):c.108T>A (p.Ala36=)

Gene: NTHL1 (nth like DNA glycosylase 1; minus strand). Cytogenetic location: 16p13.3.
Variant type: single nucleotide variant.
Coding change: c.108T>A on transcript NM_002528.7 (MANE Select); coding-DNA position 108, T replaced by A.
Protein change: p.Ala36=; no amino-acid change (alanine 36 retained).
Molecular consequence: synonymous variant. On other transcripts: 5 prime UTR variant (1).
Genome position (GRCh38, 1-based): chr16:2,047,716, A>T on the plus strand (T>A on the coding strand, the complement: NTHL1 is on the minus strand). VCF-style: chr16-2047716-A-T. GRCh37 (hg19) VCF-style: chr16-2097717-A-T.
Other names: c.108T>A, p.Ala36= (NM_001318193.2); c.-71T>A (NM_001318194.2); c.132T>A (NM_002528.5).
Identifiers: ClinVar variation 2682030 (VCV002682030.5), dbSNP rs2150957361, ClinGen allele CA492953530.